The following is an entry in ClinVar:

NM_015338.6(ASXL1):c.4173T>A (p.Ser1391Arg)

Gene: ASXL1 (ASXL transcriptional regulator 1; plus strand). Cytogenetic location: 20q11.21.
Variant type: single nucleotide variant.
Coding change: c.4173T>A on transcript NM_015338.6 (MANE Select); coding-DNA position 4173, T replaced by A.
Protein change: p.Ser1391Arg; replaces serine 1391 with arginine.
Molecular consequence: missense variant.
Genome position (GRCh38, 1-based): chr20:32,436,885, T>A. VCF-style: chr20-32436885-T-A. GRCh37 (hg19) VCF-style: chr20-31024688-T-A.
Other names: c.3990T>A, p.Ser1330Arg (NM_001363734.1); short protein forms S1391R, S1330R.
Identifiers: ClinVar variation 2987828 (VCV002987828.25), dbSNP rs778791558, ClinGen allele CA408564598.
Genomic context (GRCh38, chr20:32,436,885, plus strand): 5'-GACTTTTGTGGGGGGTCCTCTTAAGGCAAATGCCGAGAACAGGAAAGCTACTGGGCATAG[T>A]CCCCTGGAACTGGTGGGTCACTTGGAAGGGATGCCCTTTGTCATGGACTTGCCCTTCTGG-3'
Protein context (NP_056153.2, residues 1381-1401): NAENRKATGH[Ser1391Arg]PLELVGHLEG

ClinVar aggregate classification (germline): Uncertain significance. Review status: criteria provided, multiple submitters, no conflicts (2 of 4 stars). 2 submissions from 2 submitters: Uncertain significance (2). Last evaluated 2025-08-11.

gnomAD v4.1: 7 of 1,614,120 alleles (0.00043%); highest among the groups gnomAD compares: Non-Finnish European, 0.00051%; no homozygotes.

Submissions (2):

Labcorp Genetics (formerly Invitae), Labcorp
Classification: Uncertain significance. Last evaluated: 2025-08-11. Review status: criteria provided, single submitter. Criteria: Invitae Variant Classification Sherloc (09022015). Collection method: clinical testing. Allele origin: germline.
Comment: This sequence change replaces serine, which is neutral and polar, with arginine, which is basic and polar, at codon 1391 of the ASXL1 protein (p.Ser1391Arg). This variant is not present in population databases (gnomAD no frequency). This variant has not been reported in the literature in individuals affected with ASXL1-related conditions. ClinVar contains an entry for this variant (Variation ID: 2987828). An algorithm developed to predict the effect of missense changes on protein structure and function outputs the following: PolyPhen-2: "Benign". The arginine amino acid residue is found in multiple mammalian species, which suggests that this missense change does not adversely affect protein function. In summary, the available evidence is currently insufficient to determine the role of this variant in disease. Therefore, it has been classified as a Variant of Uncertain Significance.

CeGaT Center for Human Genetics Tuebingen
Classification: Uncertain significance. Last evaluated: 2023-12-01. Review status: criteria provided, single submitter. Criteria: CeGaT Center For Human Genetics Tuebingen Variant Classification Criteria Version 2. Collection method: clinical testing. Allele origin: germline. Affected: yes. Observed: 1 variant allele.
Comment: ASXL1: PM2, BP4